The following is an entry in ClinVar:

ClinVar aggregate classification (germline): Uncertain significance. Review status: criteria provided, single submitter (1 of 4 stars). 2 submissions from 2 submitters: Uncertain significance (1). 1 of the submissions does not count toward it. Last evaluated 2021-04-12.

Conditions:
Hearing impairment. Also called: Impaired Hearing. Identifiers: MedGen C1384666, MONDO:0005365, HP:0000365.
Retinal dystrophy. Also called: Inherited retinal dystrophy. Identifiers: Orphanet 71862, MedGen C0854723, MeSH D058499, MONDO:0019118, HP:0000556.

Allele frequency attached by ClinVar (database versions not stated): gnomAD exomes below 0.00001; ExAC 0.00001.
gnomAD v4.1: 1 of 1,613,302 alleles (0.000062%); highest among the groups gnomAD compares: Non-Finnish European, 0.000085%; no homozygotes.

Submissions (2):

Department of Otolaryngology – Head & Neck Surgery, Cochlear Implant Center
Classification: Uncertain significance for Hearing impairment. Last evaluated: 2021-04-12. Review status: criteria provided, single submitter. Criteria: ClinGen HL ACMG Specifications v1. Collection method: clinical testing. Allele origin: germline. Affected: yes.
Comment: PM2_Moderate, PP3_Supporting

Institute of Human Genetics, Univ. Regensburg, Univ. Regensburg
Classification: Likely pathogenic for Retinal dystrophy. Last evaluated: 2020-01-01. Review status: no assertion criteria provided. Criteria: ACMG Guidelines, 2015. Collection method: clinical testing. Allele origin: germline. Affected: yes. Not counted in ClinVar's aggregate classification.

NM_022124.6(CDH23):c.1129G>A (p.Asp377Asn)

Gene: CDH23 (cadherin related 23; plus strand). Cytogenetic location: 10q22.1.
Variant type: single nucleotide variant.
Coding change: c.1129G>A on transcript NM_022124.6 (MANE Select); coding-DNA position 1129, G replaced by A.
Protein change: p.Asp377Asn; replaces aspartic acid 377 with asparagine.
Molecular consequence: missense variant.
Genome position (GRCh38, 1-based): chr10:71,617,388, G>A. VCF-style: chr10-71617388-G-A. GRCh37 (hg19) VCF-style: chr10-73377145-G-A.
Other names: c.1129G>A, p.Asp377Asn (NM_001171930.2, NM_001171931.2, NM_001171932.2 and 1 more transcripts); short protein forms D377N.
Identifiers: ClinVar variation 1065105 (VCV001065105.4), dbSNP rs779502033, ClinGen allele CA5543642.